The following is an entry in ClinVar:

ClinVar aggregate classification (germline): Uncertain significance (1 of 4 stars; one submission).

Submission:

Labcorp Genetics (formerly Invitae), Labcorp
Classification: Uncertain significance. Last evaluated: 2024-04-15. Review status: criteria provided, single submitter. Criteria: Invitae Variant Classification Sherloc (09022015). Collection method: clinical testing. Allele origin: germline.
Comment: This sequence change replaces glutamic acid, which is acidic and polar, with lysine, which is basic and polar, at codon 404 of the FH protein (p.Glu404Lys). This variant is not present in population databases (gnomAD no frequency). This variant has not been reported in the literature in individuals affected with FH-related conditions. Advanced modeling of protein sequence and biophysical properties (such as structural, functional, and spatial information, amino acid conservation, physicochemical variation, residue mobility, and thermodynamic stability) performed at Invitae indicates that this missense variant is expected to disrupt FH protein function with a positive predictive value of 95%. In summary, the available evidence is currently insufficient to determine the role of this variant in disease. Therefore, it has been classified as a Variant of Uncertain Significance.

NM_000143.4(FH):c.1210G>A (p.Glu404Lys)

Gene: FH (fumarate hydratase; minus strand). Cytogenetic location: 1q43.
Variant type: single nucleotide variant.
Coding change: c.1210G>A on transcript NM_000143.4 (MANE Select); coding-DNA position 1210, G replaced by A.
Protein change: p.Glu404Lys; replaces glutamic acid 404 with lysine.
Molecular consequence: missense variant.
Genome position (GRCh38, 1-based): chr1:241,502,469, C>T on the plus strand (G>A on the coding strand, the complement: FH is on the minus strand). VCF-style: chr1-241502469-C-T. GRCh37 (hg19) VCF-style: chr1-241665769-C-T.
Other names: short protein forms E404K.
Identifiers: ClinVar variation 3650033 (VCV003650033.2).
Genomic context (GRCh38, chr1:241,502,469, plus strand): 5'-TCAAAAAACATTAAAAATCAGATTTAAAGCTTACCATCATTGGCTTGAAAACATTCAACT[C>T]AAAATGTCCATTGCTGCCTCCGACAGTGACAGCAACATGGTTCCCCATGACTTGGGCTGC-3'
Protein context (NP_000134.2, residues 394-414): VTVGGSNGHF[Glu404Lys]LNVFKPMMIK